The following is an entry in ClinVar:

ClinVar aggregate classification (germline): Uncertain significance. Review status: criteria provided, multiple submitters, no conflicts (2 of 4 stars). 3 submissions from 3 submitters: Uncertain significance (3). Last evaluated 2024-10-30.

Conditions:
Nemaline myopathy 5 (NEM5A). Also called: Nemaline myopathy 5, Amish type; NEMALINE MYOPATHY, AMISH TYPE; NEMALINE MYOPATHY 5A, AUTOSOMAL RECESSIVE, SEVERE INFANTILE. Identifiers: Orphanet 98902, MedGen C1854380, MONDO:0011539, OMIM 605355.

Allele frequency attached by ClinVar (database versions not stated): gnomAD 0.00001; gnomAD exomes 0.00002; ExAC 0.00003; TOPMed 0.00003; 1000 Genomes Project 30x 0.00016; 1000 Genomes Project 0.00020.
gnomAD v4.1: 37 of 1,603,618 alleles (0.0023%); highest among the groups gnomAD compares: East Asian, 0.016%; no homozygotes.

Submissions (3):

Blueprint Genetics
Classification: Uncertain significance. Last evaluated: 2024-10-30. Review status: criteria provided, single submitter. Criteria: ACMG Guidelines, 2015. Collection method: clinical testing. Allele origin: germline.

Labcorp Genetics (formerly Invitae), Labcorp
Classification: Uncertain significance for Nemaline myopathy 5. Last evaluated: 2023-10-16. Review status: criteria provided, single submitter. Criteria: Invitae Variant Classification Sherloc (09022015). Collection method: clinical testing. Allele origin: germline.
Comment: This sequence change replaces arginine, which is basic and polar, with cysteine, which is neutral and slightly polar, at codon 276 of the TNNT1 protein (p.Arg276Cys). The frequency data for this variant in the population databases is considered unreliable, as metrics indicate poor data quality at this position in the gnomAD database. This variant has not been reported in the literature in individuals affected with TNNT1-related conditions. ClinVar contains an entry for this variant (Variation ID: 1028592). An algorithm developed to predict the effect of missense changes on protein structure and function (PolyPhen-2) suggests that this variant is likely to be disruptive. In summary, the available evidence is currently insufficient to determine the role of this variant in disease. Therefore, it has been classified as a Variant of Uncertain Significance.

Baylor Genetics
Classification: Uncertain significance for Nemaline myopathy 5. Last evaluated: 2019-03-02. Review status: criteria provided, single submitter. Criteria: ACMG Guidelines, 2015. Collection method: clinical testing. Allele origin: paternal. Affected: yes.
Comment: This variant was determined to be of uncertain significance according to ACMG Guidelines, 2015 [PMID:25741868].

NM_003283.6(TNNT1):c.826C>T (p.Arg276Cys)

Gene: TNNT1 (troponin T1, slow skeletal type; minus strand). Cytogenetic location: 19q13.42.
Variant type: single nucleotide variant.
Coding change: c.826C>T on transcript NM_003283.6 (MANE Select); coding-DNA position 826, C replaced by T.
Protein change: p.Arg276Cys; replaces arginine 276 with cysteine.
Molecular consequence: missense variant.
Genome position (GRCh38, 1-based): chr19:55,132,926, G>A on the plus strand (C>T on the coding strand, the complement: TNNT1 is on the minus strand). VCF-style: chr19-55132926-G-A. GRCh37 (hg19) VCF-style: chr19-55644294-G-A.
Other names: c.778C>T, p.Arg260Cys (NM_001126132.3); c.745C>T, p.Arg249Cys (NM_001126133.3, NM_001291774.2); short protein forms R249C, R276C, R260C.
Identifiers: ClinVar variation 1028592 (VCV001028592.8), dbSNP rs201409131, ClinGen allele CA9667210.